The following is an entry in ClinVar:

ClinVar aggregate classification (germline): Uncertain significance (1 of 4 stars; one submission).

Conditions:
FGFR3-related chondrodysplasia. Identifiers: Orphanet 93420, MedGen C5681604, MONDO:0019685.

Submission:

Genomenon, Inc
Classification: Uncertain significance for FGFR3-related chondrodysplasia. Last evaluated: 2026-06-23. Review status: criteria provided, single submitter. Criteria: Genomenon Sequence Variant Interpretation Standards - Updated. Collection method: curation. Allele origin: germline. Affected: no.
Comment: FGFR3 p.Ser371Asn (c.1112G>A) is a missense variant that changes the amino acid at codon 371 from Serine to Asparagine. This variant has been reported in the published literature (PMID:38522067). It is absent or not present at a significant frequency in gnomAD. In silico models predict that this variant is not damaging. In conclusion, we classify FGFR3 p.Ser371Asn (c.1112G>A) as a variant of uncertain significance.

Literature cited by the submitters: PubMed 38522067.

NM_000142.5(FGFR3):c.1112G>A (p.Ser371Asn)

Gene: FGFR3 (fibroblast growth factor receptor 3; plus strand). Cytogenetic location: 4p16.3.
Variant type: single nucleotide variant.
Coding change: c.1112G>A on transcript NM_000142.5 (MANE Select); coding-DNA position 1112, G replaced by A.
Protein change: p.Ser371Asn; replaces serine 371 with asparagine.
Molecular consequence: missense variant. On other transcripts: non-coding transcript variant (1), intron variant (1).
Genome position (GRCh38, 1-based): chr4:1,804,366, G>A. VCF-style: chr4-1804366-G-A. GRCh37 (hg19) VCF-style: chr4-1806093-G-A.
Other names: c.1118G>A, p.Ser373Asn (NM_001163213.2); c.1112G>A, p.Ser371Asn (NM_001354809.2, NM_001354810.2); c.931-458G>A (NM_022965.4); short protein forms S371N, S373N.
Identifiers: ClinVar variation 4857841 (VCV004857841.1).